The following is an entry in ClinVar:

NM_016203.4(PRKAG2):c.*452C>T

Gene: PRKAG2 (protein kinase AMP-activated non-catalytic subunit gamma 2; minus strand). Cytogenetic location: 7q36.1.
Variant type: single nucleotide variant.
Coding change: c.*452C>T on transcript NM_016203.4 (MANE Select); 452 bases downstream of the stop codon, C replaced by T.
Molecular consequence: 3 prime UTR variant.
Genome position (GRCh38, 1-based): chr7:151,556,749, G>A on the plus strand (C>T on the coding strand, the complement: PRKAG2 is on the minus strand). VCF-style: chr7-151556749-G-A. GRCh37 (hg19) VCF-style: chr7-151253835-G-A.
Other names: c.*452C>T (NM_001040633.2, NM_001304527.2, NM_001304531.2 and 2 more transcripts).
Identifiers: ClinVar variation 359336 (VCV000359336.6), dbSNP rs17714947, ClinGen allele CA10628502.

ClinVar aggregate classification (germline): Benign/Likely benign. Review status: criteria provided, multiple submitters, no conflicts (2 of 4 stars). 3 submissions from 2 submitters: Benign (1); Likely benign (2). Last evaluated 2018-01-13.

Conditions:
Wolff-Parkinson-White pattern. Also called: WPW SYNDROME; Auriculoventricular accessory pathway syndrome; False bundle branch block syndrome; Anomalous ventricular excitation syndrome. Identifiers: MedGen C0043202, MONDO:0008685, OMIM 194200, HP:0001716.
Hypertrophic cardiomyopathy 6. Identifiers: MedGen C1833236, MONDO:0010946, OMIM 600858.

Allele frequency attached by ClinVar (database versions not stated): 1000 Genomes Project 0.02396; 1000 Genomes Project 30x 0.02420; gnomAD 0.03652 and 0.03769; TOPMed 0.03691; gnomAD exomes 0.03898.
gnomAD v4.1: 5,959 of 161,174 alleles (3.7%); highest among the groups gnomAD compares: Non-Finnish European, 5.6%; 172 homozygotes.

Submissions (3):

Illumina Laboratory Services, Illumina
Classification: Likely benign for Hypertrophic cardiomyopathy 6. Last evaluated: 2018-01-13. Review status: criteria provided, single submitter. Criteria: ICSL Variant Classification Criteria 13 December 2019. Collection method: clinical testing. Allele origin: germline.
Comment: This variant was observed in the ICSL laboratory as part of a predisposition screen in an ostensibly healthy population. It had not been previously curated by ICSL or reported in the Human Gene Mutation Database (HGMD: prior to June 1st, 2018), and was therefore a candidate for classification through an automated scoring system. Utilizing variant allele frequency, disease prevalence and penetrance estimates, and inheritance mode, an automated score was calculated to assess if this variant is too frequent to cause the disease. Based on the score and internal cut-off values, a variant classified as likely benign is not then subjected to further curation. The score for this variant resulted in a classification of likely benign for this disease.

Illumina Laboratory Services, Illumina
Classification: Benign for Wolff-Parkinson-White pattern. Last evaluated: 2018-01-13. Review status: criteria provided, single submitter. Criteria: ICSL Variant Classification Criteria 13 December 2019. Collection method: clinical testing. Allele origin: germline.
Comment: This variant was observed in the ICSL laboratory as part of a predisposition screen in an ostensibly healthy population. It had not been previously curated by ICSL or reported in the Human Gene Mutation Database (HGMD: prior to June 1st, 2018), and was therefore a candidate for classification through an automated scoring system. Utilizing variant allele frequency, disease prevalence and penetrance estimates, and inheritance mode, an automated score was calculated to assess if this variant is too frequent to cause the disease. Based on the score and internal cut-off values, a variant classified as benign is not then subjected to further curation. The score for this variant resulted in a classification of benign for this disease.

Breakthrough Genomics
Classification: Likely benign. Review status: criteria provided, single submitter. Criteria: ACMG Guidelines, 2015. Collection method: not provided. Allele origin: germline. Inheritance: Autosomal dominant inheritance. Affected: yes.